The following is an entry in ClinVar:

ClinVar aggregate classification (germline): Uncertain significance (1 of 4 stars; one submission).

Conditions:
Rhabdoid tumor predisposition syndrome 2 (RTPS2). Identifiers: Orphanet 231108, Orphanet 69077, MedGen C2750074, MONDO:0013224, OMIM 613325.

Submission:

Labcorp Genetics (formerly Invitae), Labcorp
Classification: Uncertain significance for Rhabdoid tumor predisposition syndrome 2. Last evaluated: 2024-04-22. Review status: criteria provided, single submitter. Criteria: Invitae Variant Classification Sherloc (09022015). Collection method: clinical testing. Allele origin: germline.
Comment: This sequence change replaces cysteine, which is neutral and slightly polar, with phenylalanine, which is neutral and non-polar, at codon 1417 of the SMARCA4 protein (p.Cys1417Phe). This variant is not present in population databases (gnomAD no frequency). This variant has not been reported in the literature in individuals affected with SMARCA4-related conditions. ClinVar contains an entry for this variant (Variation ID: 1014932). An algorithm developed to predict the effect of missense changes on protein structure and function (PolyPhen-2) suggests that this variant is likely to be tolerated. In summary, the available evidence is currently insufficient to determine the role of this variant in disease. Therefore, it has been classified as a Variant of Uncertain Significance.

NM_003072.5(SMARCA4):c.4171-1770G>T

Gene: SMARCA4 (SWI/SNF related BAF chromatin remodeling complex subunit ATPase 4; plus strand). Cytogenetic location: 19p13.2.
Variant type: single nucleotide variant.
Coding change: c.4171-1770G>T on transcript NM_003072.5 (MANE Select); 1770 bases into the intron before coding-DNA position 4171, G replaced by T.
Molecular consequence: intron variant. On other transcripts: missense variant (1).
Genome position (GRCh38, 1-based): chr19:11,039,537, G>T. VCF-style: chr19-11039537-G-T. GRCh37 (hg19) VCF-style: chr19-11150213-G-T.
Other names: c.4072-1770G>T (NM_001128848.2, NM_001128847.4, NM_001374457.1); c.4250G>T, p.Cys1417Phe (NM_001128849.3); c.4171-1770G>T (NM_001128844.3); c.4072-1761G>T (NM_001128845.2, NM_001128846.2); short protein forms C1417F.
Identifiers: ClinVar variation 1014932 (VCV001014932.8), dbSNP rs772645133, ClinGen allele CA404071793.